The following is an entry in ClinVar:

ClinVar aggregate classification (germline): Uncertain significance. Review status: criteria provided, multiple submitters, no conflicts (2 of 4 stars). 2 submissions from 2 submitters: Uncertain significance (2). Last evaluated 2024-10-15.

Conditions:
Hereditary cancer-predisposing syndrome. Also called: Neoplastic Syndromes, Hereditary; Hereditary neoplastic syndrome; Tumor predisposition; Hereditary Cancer Syndrome. Identifiers: Orphanet 140162, MedGen C0027672, MeSH D009386, MONDO:0015356.
Ataxia-telangiectasia syndrome (AT). Also called: Ataxia telangiectasia (A-T); Cerebello-oculocutaneous telangiectasia; Immunodeficiency with ataxia telangiectasia; LOUIS-BAR SYNDROME; AT, COMPLEMENTATION GROUP C; ATAXIA-TELANGIECTASIA, FRESNO VARIANT. Identifiers: Orphanet 100, MedGen C0004135, MONDO:0008840, OMIM 208900.

Submissions (2):

Ambry Genetics
Classification: Uncertain significance for Hereditary cancer-predisposing syndrome. Last evaluated: 2024-10-15. Review status: criteria provided, single submitter. Criteria: Ambry Variant Classification Scheme 2023. Collection method: clinical testing. Allele origin: germline.
Comment: The p.V2441F variant (also known as c.7321G>T), located in coding exon 49 of the ATM gene, results from a G to T substitution at nucleotide position 7321. The valine at codon 2441 is replaced by phenylalanine, an amino acid with highly similar properties. This amino acid position is highly conserved in available vertebrate species. In addition, the in silico prediction for this alteration is inconclusive. Based on the available evidence, the clinical significance of this variant remains unclear.

Labcorp Genetics (formerly Invitae), Labcorp
Classification: Uncertain significance for Ataxia-telangiectasia syndrome. Last evaluated: 2024-04-11. Review status: criteria provided, single submitter. Criteria: Invitae Variant Classification Sherloc (09022015). Collection method: clinical testing. Allele origin: germline.
Comment: This sequence change replaces valine, which is neutral and non-polar, with phenylalanine, which is neutral and non-polar, at codon 2441 of the ATM protein (p.Val2441Phe). This variant is not present in population databases (gnomAD no frequency). This variant has not been reported in the literature in individuals affected with ATM-related conditions. ClinVar contains an entry for this variant (Variation ID: 232102). An algorithm developed to predict the effect of missense changes on protein structure and function (PolyPhen-2) suggests that this variant is likely to be disruptive. In summary, the available evidence is currently insufficient to determine the role of this variant in disease. Therefore, it has been classified as a Variant of Uncertain Significance.

NM_000051.4(ATM):c.7321G>T (p.Val2441Phe)

Genes: C11orf65 (chromosome 11 open reading frame 65; minus strand), ATM (ATM serine/threonine kinase; plus strand). Cytogenetic location: 11q22.3.
Variant type: single nucleotide variant.
Coding change: c.7321G>T on transcript NM_000051.4 (MANE Select); coding-DNA position 7321, G replaced by T.
Protein change: p.Val2441Phe; replaces valine 2441 with phenylalanine.
Molecular consequence: missense variant. On other transcripts: intron variant (2).
Genome position (GRCh38, 1-based): chr11:108,330,227, G>T. VCF-style: chr11-108330227-G-T. GRCh37 (hg19) VCF-style: chr11-108200954-G-T.
Other names: c.7321G>T, p.Val2441Phe (NM_001351834.2); c.641-21156C>A (NM_001330368.2); c.*38+4993C>A (NM_001351110.2); short protein forms V2441F.
Identifiers: ClinVar variation 232102 (VCV000232102.14), dbSNP rs876659556, ClinGen allele CA10579256.